The following is an entry in ClinVar:

ClinVar aggregate classification (germline): Likely benign. Review status: criteria provided, multiple submitters, no conflicts (2 of 4 stars). 2 submissions from 2 submitters: Likely benign (2). Last evaluated 2025-06-01.

Conditions:
Developmental and epileptic encephalopathy, 31A. Also called: Epileptic encephalopathy, early infantile, 31; Developmental and epileptic encephalopathy, 31. Identifiers: Orphanet 2382, MedGen C4225357, MONDO:0014598, OMIM 616346.

Allele frequency attached by ClinVar (database versions not stated): gnomAD exomes 0.00001.
gnomAD v4.1: 3 of 1,551,448 alleles (0.00019%); highest among the groups gnomAD compares: Non-Finnish European, 0.00026%; no homozygotes.

Submissions (2):

CeGaT Center for Human Genetics Tuebingen
Classification: Likely benign. Last evaluated: 2025-06-01. Review status: criteria provided, single submitter. Criteria: CeGaT Center For Human Genetics Tuebingen Variant Classification Criteria Version 2. Collection method: clinical testing. Allele origin: germline. Affected: yes. Observed: 1 variant allele.
Comment: DNM1: BP7

Labcorp Genetics (formerly Invitae), Labcorp
Classification: Likely benign for Developmental and epileptic encephalopathy, 31A. Last evaluated: 2021-11-26. Review status: criteria provided, single submitter. Criteria: Invitae Variant Classification Sherloc (09022015). Collection method: clinical testing. Allele origin: germline.

NM_004408.4(DNM1):c.114C>T (p.Gly38=)

Genes: CIZ1 (CDKN1A interacting zinc finger protein 1; minus strand), DNM1 (dynamin 1; plus strand). Cytogenetic location: 9q34.11.
Variant type: single nucleotide variant.
Coding change: c.114C>T on transcript NM_004408.4 (MANE Select); coding-DNA position 114, C replaced by T.
Protein change: p.Gly38=; no amino-acid change (glycine 38 retained).
Molecular consequence: synonymous variant. On other transcripts: intron variant (2).
Genome position (GRCh38, 1-based): chr9:128,203,584, C>T. VCF-style: chr9-128203584-C-T. GRCh37 (hg19) VCF-style: chr9-130965863-C-T.
Other names: c.114C>T, p.Gly38= (NM_001005336.3, NM_001288737.2, NM_001288738.2 and 2 more transcripts); c.-6+602G>A (NM_001131015.2, NM_012127.3).
Identifiers: ClinVar variation 1618715 (VCV001618715.17), dbSNP rs1326366504, ClinGen allele CA467264160.